The following is an entry in ClinVar:

ClinVar aggregate classification (germline): Uncertain significance. Review status: criteria provided, multiple submitters, no conflicts (2 of 4 stars). 3 submissions from 3 submitters: Uncertain significance (3). Last evaluated 2021-10-05.

Conditions:
Hereditary cancer-predisposing syndrome. Also called: Hereditary Cancer Syndrome; Neoplastic Syndromes, Hereditary; Tumor predisposition; Hereditary neoplastic syndrome. Identifiers: Orphanet 140162, MedGen C0027672, MeSH D009386, MONDO:0015356.
Intellectual disability, autosomal dominant 16 (CSS4). Also called: COFFIN-SIRIS SYNDROME 4. Identifiers: Orphanet 1465, MedGen C3553249, MONDO:0013821, OMIM 614609.
Rhabdoid tumor predisposition syndrome 2 (RTPS2). Identifiers: Orphanet 231108, Orphanet 69077, MedGen C2750074, MONDO:0013224, OMIM 613325.

Submissions (3):

Labcorp Genetics (formerly Invitae), Labcorp
Classification: Uncertain significance for Rhabdoid tumor predisposition syndrome 2. Last evaluated: 2021-10-05. Review status: criteria provided, single submitter. Criteria: Invitae Variant Classification Sherloc (09022015). Collection method: clinical testing. Allele origin: germline.
Comment: This variant, c.2119_2121del, results in the deletion of 1 amino acid(s) of the SMARCA4 protein (p.Ile707del), but otherwise preserves the integrity of the reading frame. This variant is not present in population databases (ExAC no frequency). This variant has not been reported in the literature in individuals affected with SMARCA4-related conditions. ClinVar contains an entry for this variant (Variation ID: 480661). Algorithms developed to predict the effect of sequence changes on RNA splicing suggest that this variant may create or strengthen a splice site. In summary, the available evidence is currently insufficient to determine the role of this variant in disease. Therefore, it has been classified as a Variant of Uncertain Significance.

Genome-Nilou Lab
Classification: Uncertain significance for Intellectual disability, autosomal dominant 16. Last evaluated: 2021-07-15. Review status: criteria provided, single submitter. Criteria: ACMG Guidelines, 2015. Collection method: clinical testing. Allele origin: germline. Affected: no.

Ambry Genetics
Classification: Uncertain significance for Hereditary cancer-predisposing syndrome. Last evaluated: 2016-11-10. Review status: criteria provided, single submitter. Criteria: Ambry Variant Classification Scheme 2023. Collection method: clinical testing. Allele origin: germline.
Comment: The c.2119_2121delATT variant (also known as p.I707DEL) is located in coding exon 13 of the SMARCA4 gene. This variant results from an in-frame ATT deletion at nucleotide positions 2119 to 2121. This results in the in-frame deletion of an isoleucine at codon 707. This variant was not reported in population based cohorts in the following databases: Database of Single Nucleotide Polymorphisms (dbSNP), NHLBI Exome Sequencing Project (ESP), and 1000 Genomes Project. In the ESP, this variant was not observed in 6503 samples (13006 alleles) with coverage at this position. To date, this alteration has been detected with an allele frequency of approximately 0.001% (greater than 100000 alleles tested) in our clinical cohort. These nucleotide positions are well conserved in available vertebrate species. This amino acid position is highly conserved in available vertebrate species. Since supporting evidence is limited at this time, the clinical significance of this alteration remains unclear.

NM_003072.5(SMARCA4):c.2119_2121del (p.Ile707del)

Gene: SMARCA4 (SWI/SNF related BAF chromatin remodeling complex subunit ATPase 4; plus strand). Cytogenetic location: 19p13.2.
Variant type: Deletion.
Coding change: c.2119_2121del on transcript NM_003072.5 (MANE Select); coding-DNA positions 2119 to 2121, 3 bases deleted (ATT; older notation c.2119_2121delATT).
Protein change: p.Ile707del; deletes isoleucine 707.
Molecular consequence: inframe deletion. On other transcripts: non-coding transcript variant (1).
Genome position (GRCh38, 1-based): chr19:11,008,019-11,008,021, ATT deleted. VCF-style (leftmost placement, unchanged base first): chr19-11008018-CATT-C. GRCh37 (hg19) VCF-style: chr19-11118694-CATT-C.
Other names: c.2119_2121del, p.Ile707del (NM_001128844.3, NM_001128845.2, NM_001128846.2 and 5 more transcripts); short protein forms I707del.
Identifiers: ClinVar variation 480661 (VCV000480661.14), dbSNP rs1555771687, ClinGen allele CA658656780.
Genomic context (GRCh38, chr19:11,008,018, plus strand): 5'-GAAGAAGAAGATTCCAGATCCAGACAGCGATGACGTCTCTGAGGTGGACGCGCGGCACAT[CATT>C]GAGTAAGGGGTCCCGACACAGGTTGTTCTGTGCCAGCTTCCTGTGAGGTGGCGCTGGTGG-3'